The following is an entry in ClinVar:

NM_006392.4(NOP56):c.1572G>A (p.Glu524=)

Gene: NOP56 (NOP56 ribonucleoprotein; plus strand). Cytogenetic location: 20p13.
Variant type: single nucleotide variant.
Coding change: c.1572G>A on transcript NM_006392.4 (MANE Select); coding-DNA position 1572, G replaced by A.
Protein change: p.Glu524=; no amino-acid change (glutamic acid 524 retained).
Molecular consequence: synonymous variant. On other transcripts: non-coding transcript variant (2).
Genome position (GRCh38, 1-based): chr20:2,658,081, G>A. VCF-style: chr20-2658081-G-A. GRCh37 (hg19) VCF-style: chr20-2638727-G-A.
Identifiers: ClinVar variation 3037904 (VCV003037904.2), dbSNP rs61739391, ClinGen allele CA9734910.

ClinVar aggregate classification (germline): Benign (0 of 4 stars; one submission).

Conditions:
NOP56-related disorder. Also called: NOP56-related condition.

Allele frequency attached by ClinVar (database versions not stated): ExAC 0.00939; ESP Exome Variant Server 0.01330; gnomAD 0.01381; TOPMed 0.01436; 1000 Genomes Project 0.02236; 1000 Genomes Project 30x 0.02311.
gnomAD v4.1: 8,102 of 1,614,098 alleles (0.5%); highest among the groups gnomAD compares: African/African-American, 4.2%; 157 homozygotes.

Submission:

PreventionGenetics, part of Exact Sciences
Classification: Benign for NOP56-related condition. Last evaluated: 2019-04-08. Review status: no assertion criteria provided. Collection method: clinical testing. Allele origin: germline.
Comment: This variant is classified as benign based on ACMG/AMP sequence variant interpretation guidelines (Richards et al. 2015 PMID: 25741868, with internal and published modifications).